The following is an entry in ClinVar:

ClinVar aggregate classification (germline): Uncertain significance (1 of 4 stars; one submission).

Conditions:
Cardiovascular phenotype. Identifiers: MedGen CN230736.

gnomAD v4.1: 1 of 1,598,444 alleles (0.000063%); highest among the groups gnomAD compares: Non-Finnish European, 0.000085%; no homozygotes.

Submission:

Ambry Genetics
Classification: Uncertain significance for Cardiovascular phenotype. Last evaluated: 2022-07-23. Review status: criteria provided, single submitter. Criteria: Ambry Variant Classification Scheme 2023. Collection method: clinical testing. Allele origin: germline.
Comment: The p.H171R variant (also known as c.512A>G), located in coding exon 4 of the FKBP14 gene, results from an A to G substitution at nucleotide position 512. The histidine at codon 171 is replaced by arginine, an amino acid with highly similar properties. This amino acid position is conserved. In addition, the in silico prediction for this alteration is inconclusive. Since supporting evidence is limited at this time, the clinical significance of this alteration remains unclear.

NM_017946.4(FKBP14):c.512A>G (p.His171Arg)

Genes: FKBP14 (FKBP prolyl isomerase 14; minus strand), FKBP14-AS1 (FKBP14 antisense RNA 1; plus strand). Cytogenetic location: 7p14.3.
Variant type: single nucleotide variant.
Coding change: c.512A>G on transcript NM_017946.4 (MANE Select); coding-DNA position 512, A replaced by G.
Protein change: p.His171Arg; replaces histidine 171 with arginine.
Molecular consequence: missense variant. On other transcripts: non-coding transcript variant (2).
Genome position (GRCh38, 1-based): chr7:30,014,859, T>C on the plus strand (A>G on the coding strand, the complement: FKBP14 is on the minus strand). VCF-style: chr7-30014859-T-C. GRCh37 (hg19) VCF-style: chr7-30054475-T-C.
Other names: short protein forms H171R.
Identifiers: ClinVar variation 1745524 (VCV001745524.2), dbSNP rs147665999, ClinGen allele CA367116390.